The following is an entry in ClinVar:

ClinVar aggregate classification (germline): Likely pathogenic. Review status: criteria provided, multiple submitters, no conflicts (2 of 4 stars). 2 submissions from 2 submitters: Likely pathogenic (2). Last evaluated 2025-09-02.

Conditions:
Roberts-SC phocomelia syndrome (RBS). Also called: LONG BONE DEFICIENCIES ASSOCIATED WITH CLEFT LIP-PALATE; ESCO2 Spectrum Disorder; Hypomelia hypotrichosis facial hemangioma syndrome; Pseudothalidomide syndrome; Appelt-Gerken-Lenz syndrome. Identifiers: Orphanet 3103, MedGen C0392475, MONDO:0100253, OMIM 268300.
Juberg-Hayward syndrome (JHS). Also called: Cleft lip/palate with abnormal thumbs and microcephaly; OROCRANIODIGITAL SYNDROME. Identifiers: Orphanet 2319, MedGen C0796099, MONDO:0008992, OMIM 216100.

Submissions (2):

Natera, Inc.
Classification: Likely pathogenic for Roberts syndrome. Last evaluated: 2025-09-02. Review status: criteria provided, single submitter. Criteria: Natera Variant Classification Schema (03/2026). Collection method: clinical testing. Allele origin: germline.
Comment: The c.1427_1431delTAAAA variant in ESCO2 is a frameshift variant predicted to shift the reading frame beginning at codon 476 and leads to a stop codon 7 codons downstream. This variant is expected to result in nonsense mediated decay, truncation, or a dysfunctional protein product. This variant is rare in the general population with a frequency below the threshold expected for the associated phenotype(s). Given the available evidence, this variant is classified as Likely Pathogenic.

Fulgent Genetics
Classification: Likely pathogenic for Juberg-Hayward syndrome; Roberts-SC phocomelia syndrome. Last evaluated: 2024-05-22. Review status: criteria provided, single submitter. Criteria: ACMG Guidelines, 2015. Collection method: clinical testing. Allele origin: germline.

NM_001017420.3(ESCO2):c.1427_1431del (p.Ile476fs)

Gene: ESCO2 (establishment of sister chromatid cohesion N-acetyltransferase 2; plus strand). Cytogenetic location: 8p21.1.
Variant type: Deletion.
Coding change: c.1427_1431del on transcript NM_001017420.3 (MANE Select); coding-DNA positions 1427 to 1431, 5 bases deleted (TAAAA; older notation c.1427_1431delTAAAA).
Protein change: p.Ile476fs; shifts the reading frame from isoleucine 476.
Molecular consequence: frameshift variant.
Genome position (GRCh38, 1-based): chr8:27,792,741-27,792,745, TAAAA deleted; deleting any 5 consecutive bases within chr8:27,792,737-27,792,745 gives the same sequence; the c. name uses the placement nearest the transcript's 3' end. VCF-style (leftmost placement, unchanged base first): chr8-27792736-CAAAAT-C. GRCh37 (hg19) VCF-style: chr8-27650253-CAAAAT-C.
Other names: c.1427_1431delTAAAA (NM_001017420.2); short protein forms I476fs.
Identifiers: ClinVar variation 3595518 (VCV003595518.2).
Genomic context (GRCh38, chr8:27,792,736, plus strand): 5'-TGTCCAAGAACTTGTTGATAATGAATTGGGCTTCCAGCAAGTTGTTCCTAAATGTCCAAA[CAAAAT>C]AAAAACTTTTCTTTTTATATCTGATGAAAAGAGAGTAGTTGGGTGTTTAATTGCAGAACC-3'